The following is an entry in ClinVar:

NM_001379500.1(COL18A1):c.2929G>A (p.Gly977Ser)

Genes: COL18A1 (collagen type XVIII alpha 1 chain; plus strand), SLC19A1 (solute carrier family 19 member 1; minus strand). Cytogenetic location: 21q22.3.
Variant type: single nucleotide variant.
Coding change: c.2929G>A on transcript NM_001379500.1 (MANE Select); coding-DNA position 2929, G replaced by A.
Protein change: p.Gly977Ser; replaces glycine 977 with serine.
Molecular consequence: missense variant.
Genome position (GRCh38, 1-based): chr21:45,505,194, G>A. VCF-style: chr21-45505194-G-A. GRCh37 (hg19) VCF-style: chr21-46925108-G-A.
Other names: c.3460G>A, p.Gly1154Ser (NM_030582.4); c.4165G>A, p.Gly1389Ser (NM_130444.3); c.3460G>A (NM_030582.3); short protein forms G977S, G1389S, G1154S.
Identifiers: ClinVar variation 1395895 (VCV001395895.8), dbSNP rs371933414, ClinGen allele CA10067559.
Genomic context (GRCh38, chr21:45,505,194, plus strand): 5'-GGTCCCAAGGGAGAGAGCATCCGGGGCCAGCCCGGCCCACCTGGACCTCAGGGACCCCCC[G>A]GCATCGGCTACGAGGGGCGCCAGGGCCCTCCCGGCCCCCCAGGCCCCCCAGGGCCCCCTT-3'
Protein context (NP_001366429.1, residues 967-987): PGPPGPQGPP[Gly977Ser]IGYEGRQGPP

ClinVar aggregate classification (germline): Uncertain significance. Review status: criteria provided, multiple submitters, no conflicts (2 of 4 stars). 3 submissions from 3 submitters: Uncertain significance (3). Last evaluated 2025-07-14.

Conditions:
COL18A1-related disorder. Also called: COL18A1-related disorders; COL18A1-related condition.
Hereditary glaucoma, primary closed-angle. Also called: Glaucoma, primary closed-angle. Identifiers: MedGen C5394374, MONDO:0030038, OMIM 618880.
Knobloch syndrome 1 (KNO1). Identifiers: MedGen C4551775, MONDO:0800167, OMIM 267750.

Allele frequency attached by ClinVar (database versions not stated): TOPMed 0.00002; gnomAD 0.00003; gnomAD exomes 0.00004 and 0.00006; ExAC 0.00006; ESP Exome Variant Server 0.00009; 1000 Genomes Project 30x 0.00016; 1000 Genomes Project 0.00020.
gnomAD v4.1: 54 of 1,604,934 alleles (0.0034%); highest among the groups gnomAD compares: Middle Eastern, 0.017%; no homozygotes.

Submissions (3):

PreventionGenetics, part of Exact Sciences
Classification: Uncertain significance for COL18A1-related condition. Last evaluated: 2025-07-14. Review status: criteria provided, single submitter. Criteria: ACMG Guidelines, 2015. Collection method: clinical testing. Allele origin: germline.
Comment: The COL18A1 c.3460G>A variant is predicted to result in the amino acid substitution p.Gly1157Ser. To our knowledge, this variant has not been reported in the literature. This variant is reported in 0.0093% of alleles in individuals of Latino descent in gnomAD. At this time, the clinical significance of this variant is uncertain due to the absence of conclusive functional and genetic evidence.

Labcorp Genetics (formerly Invitae), Labcorp
Classification: Uncertain significance. Last evaluated: 2022-07-14. Review status: criteria provided, single submitter. Criteria: Invitae Variant Classification Sherloc (09022015). Collection method: clinical testing. Allele origin: germline.
Comment: This sequence change replaces glycine, which is neutral and non-polar, with serine, which is neutral and polar, at codon 974 of the COL18A1 protein (p.Gly974Ser). This variant is present in population databases (rs371933414, gnomAD 0.01%). This variant has not been reported in the literature in individuals affected with COL18A1-related conditions. ClinVar contains an entry for this variant (Variation ID: 1395895). Experimental studies and prediction algorithms are not available or were not evaluated, and the functional significance of this variant is currently unknown. In summary, the available evidence is currently insufficient to determine the role of this variant in disease. Therefore, it has been classified as a Variant of Uncertain Significance.

Fulgent Genetics
Classification: Uncertain significance for Knobloch syndrome 1; Hereditary glaucoma, primary closed-angle. Last evaluated: 2022-02-15. Review status: criteria provided, single submitter. Criteria: ACMG Guidelines, 2015. Collection method: clinical testing. Allele origin: unknown.